The following is an entry in ClinVar:

ClinVar aggregate classification (germline): Likely benign. Review status: criteria provided, multiple submitters, no conflicts (2 of 4 stars). 3 submissions from 3 submitters: Likely benign (3). Last evaluated 2026-07-22.

Conditions:
BCAP31-related disorder. Also called: BCAP31-related condition.

Allele frequency attached by ClinVar (database versions not stated): gnomAD 0.00002; gnomAD exomes 0.00002; TOPMed 0.00005.
gnomAD v4.1: 21 of 1,208,352 alleles (0.0017%); highest among the groups gnomAD compares: African/African-American, 0.0035%; no homozygotes.

Submissions (3):

PreventionGenetics, part of Exact Sciences
Classification: Likely benign for BCAP31-related condition. Last evaluated: 2026-07-22. Review status: criteria provided, single submitter. Criteria: ACMG Guidelines, 2015. Collection method: clinical testing. Allele origin: germline.
Comment: This variant is classified as likely benign based on ACMG/AMP sequence variant interpretation guidelines (Richards et al. 2015 PMID: 25741868, with internal and published modifications).

Women's Health and Genetics/Laboratory Corporation of America, LabCorp
Classification: Likely benign. Last evaluated: 2025-12-23. Review status: criteria provided, single submitter. Criteria: LabCorp Variant Classification Summary - May 2015. Collection method: clinical testing. Allele origin: germline.

Labcorp Genetics (formerly Invitae), Labcorp
Classification: Likely benign. Last evaluated: 2024-01-03. Review status: criteria provided, single submitter. Criteria: Invitae Variant Classification Sherloc (09022015). Collection method: clinical testing. Allele origin: germline.

NM_001256447.2(BCAP31):c.510C>T (p.Val170=)

Gene: BCAP31 (B cell receptor associated protein 31; minus strand). Cytogenetic location: Xq28.
Variant type: single nucleotide variant.
Coding change: c.510C>T on transcript NM_001256447.2 (MANE Select); coding-DNA position 510, C replaced by T.
Protein change: p.Val170=; no amino-acid change (valine 170 retained).
Molecular consequence: synonymous variant.
Genome position (GRCh38, 1-based): chrX:153,703,026, G>A on the plus strand (C>T on the coding strand, the complement: BCAP31 is on the minus strand). VCF-style: chrX-153703026-G-A. GRCh37 (hg19) VCF-style: chrX-152968481-G-A.
Other names: c.510C>T, p.Val170= (NM_001139441.1, NM_005745.8); c.711C>T, p.Val237= (NM_001139457.2).
Identifiers: ClinVar variation 1983450 (VCV001983450.6), dbSNP rs1417131237, ClinGen allele CA519197781.